The following is an entry in ClinVar:

NM_212482.4(FN1):c.7250G>A (p.Arg2417Gln)

Genes: ATIC (5-aminoimidazole-4-carboxamide ribonucleotide formyltransferase/IMP cyclohydrolase; plus strand), FN1 (fibronectin 1; minus strand). Cytogenetic location: 2q35.
Variant type: single nucleotide variant.
Coding change: c.7250G>A on transcript NM_212482.4 (MANE Select); coding-DNA position 7250, G replaced by A.
Protein change: p.Arg2417Gln; replaces arginine 2417 with glutamine.
Molecular consequence: missense variant.
Genome position (GRCh38, 1-based): chr2:215,364,880, C>T on the plus strand (G>A on the coding strand, the complement: FN1 is on the minus strand). VCF-style: chr2-215364880-C-T. GRCh37 (hg19) VCF-style: chr2-216229603-C-T.
Other names: c.6980G>A, p.Arg2327Gln (NM_001365517.2); c.6977G>A, p.Arg2326Gln (NM_001365518.2); c.6905G>A, p.Arg2302Gln (NM_001365519.2); c.6902G>A, p.Arg2301Gln (NM_001365520.2); c.6887G>A, p.Arg2296Gln (NM_001365521.2); c.6812G>A, p.Arg2271Gln (NM_001365522.2); c.6632G>A, p.Arg2211Gln (NM_001365523.2); c.6617G>A, p.Arg2206Gln (NM_001365524.2); and 8 more; short protein forms R2116Q, R2180Q, R2205Q, R2206Q, R2207Q, R2211Q, R2236Q, R2270Q.
Identifiers: ClinVar variation 4881835 (VCV004881835.2).

ClinVar aggregate classification (germline): Uncertain significance (1 of 4 stars; one submission).

Conditions:
Spondylometaphyseal dysplasia - Sutcliffe type. Also called: Sutcliffe type of spondylometaphyseal dysplasia; Sutcliffe SMD; Spondylometaphyseal dysplasia, 'corner fracture' type; Spondylometaphyseal Dysplasia, Corner Fracture Type. Identifiers: Orphanet 93315, MedGen C0432221, MONDO:0008479, OMIM 184255.

gnomAD v4.1: 8 of 1,552,754 alleles (0.00052%); highest among the groups gnomAD compares: South Asian, 0.0036%; no homozygotes.

Submission:

Dasa
Classification: Uncertain significance for spondylometaphyseal dysplasia, 'corner fracture' type. Last evaluated: 2025-11-01. Review status: criteria provided, single submitter. Criteria: DASA Assertion Criteria. Collection method: clinical testing. Allele origin: germline.
Comment: NM_212482.4(FN1):c.7250G>A (p.Arg2417Gln) is a missense variant that results in the substitution of arginine with glutamine. This variant is rare in population databases. Computational prediction algorithms are consistent with a benign effect. The currently available literature and clinical evidence are not sufficient to establish a definitive association between this variant and the reported condition. Therefore, this variant is classified as a variant of uncertain significance.